The following is an entry in ClinVar:

ClinVar aggregate classification (germline): Benign. Review status: criteria provided, multiple submitters, no conflicts (2 of 4 stars). 4 submissions from 4 submitters: Benign (4). Last evaluated 2026-01-31.

Conditions:
Congenital myotonia, autosomal recessive form. Also called: myotonia congenita, autosomal recessive; BECKER DISEASE; Becker Generalized Myotonia. Identifiers: Orphanet 614, MedGen C0751360, MONDO:0009715, OMIM 255700.
Congenital myotonia, autosomal dominant form (THD). Also called: Myotonia congenita autosomal dominant; THOMSEN DISEASE. Identifiers: Orphanet 614, MedGen C2936781, MONDO:0008055, OMIM 160800.
Batten-Turner congenital myopathy. Also called: Congenital myotonia; Myotonia congenita. Identifiers: Orphanet 206973, MedGen C0027127, MONDO:0100468, OMIM 255300.

Allele frequency attached by ClinVar (database versions not stated): gnomAD exomes 0.00072 and 0.00193; ExAC 0.00231; 1000 Genomes Project 30x 0.00671; 1000 Genomes Project 0.00679; gnomAD 0.00736 and 0.00780; ESP Exome Variant Server 0.00769; TOPMed 0.00830.
gnomAD v4.1: 2,197 of 1,597,782 alleles (0.14%); highest among the groups gnomAD compares: African/African-American, 2.6%; 31 homozygotes.

Submissions (4):

Labcorp Genetics (formerly Invitae), Labcorp
Classification: Benign for Congenital myotonia, autosomal recessive form; Congenital myotonia, autosomal dominant form. Last evaluated: 2026-01-31. Review status: criteria provided, single submitter. Criteria: Invitae Variant Classification Sherloc (09022015). Collection method: clinical testing. Allele origin: germline.

Athena Diagnostics
Classification: Benign. Last evaluated: 2024-04-15. Review status: criteria provided, single submitter. Criteria: Athena Diagnostics Criteria. Collection method: clinical testing. Allele origin: unknown.

Illumina Laboratory Services, Illumina
Classification: Benign for Myotonia congenita. Last evaluated: 2018-01-13. Review status: criteria provided, single submitter. Criteria: ICSL Variant Classification Criteria 13 December 2019. Collection method: clinical testing. Allele origin: germline.
Comment: This variant was observed in the ICSL laboratory as part of a predisposition screen in an ostensibly healthy population. It had not been previously curated by ICSL or reported in the Human Gene Mutation Database (HGMD: prior to June 1st, 2018), and was therefore a candidate for classification through an automated scoring system. Utilizing variant allele frequency, disease prevalence and penetrance estimates, and inheritance mode, an automated score was calculated to assess if this variant is too frequent to cause the disease. Based on the score and internal cut-off values, a variant classified as benign is not then subjected to further curation. The score for this variant resulted in a classification of benign for this disease.

GeneDx
Classification: Benign. Last evaluated: 2017-07-05. Review status: criteria provided, single submitter. Criteria: GeneDx Variant Classification (06012015). Collection method: clinical testing. Allele origin: germline. Affected: yes.
Comment: This variant is considered likely benign or benign based on one or more of the following criteria: it is a conservative change, it occurs at a poorly conserved position in the protein, it is predicted to be benign by multiple in silico algorithms, and/or has population frequency not consistent with disease.

NM_000083.3(CLCN1):c.302-4C>T

Gene: CLCN1 (chloride voltage-gated channel 1; plus strand). Cytogenetic location: 7q34.
Variant type: single nucleotide variant.
Coding change: c.302-4C>T on transcript NM_000083.3 (MANE Select); 4 bases into the intron before coding-DNA position 302, C replaced by T.
Molecular consequence: intron variant.
Genome position (GRCh38, 1-based): chr7:143,320,660, C>T. VCF-style: chr7-143320660-C-T. GRCh37 (hg19) VCF-style: chr7-143017753-C-T.
Identifiers: ClinVar variation 462843 (VCV000462843.20), dbSNP rs113839156, ClinGen allele CA4536909.